The following is an entry in ClinVar:

NM_024809.5(TCTN2):c.1034-189C>A

Gene: TCTN2 (tectonic family member 2; plus strand). Cytogenetic location: 12q24.31.
Variant type: single nucleotide variant.
Coding change: c.1034-189C>A on transcript NM_024809.5 (MANE Select); 189 bases into the intron before coding-DNA position 1034, C replaced by A.
Molecular consequence: intron variant.
Genome position (GRCh38, 1-based): chr12:123,692,469, C>A. VCF-style: chr12-123692469-C-A. GRCh37 (hg19) VCF-style: chr12-124177016-C-A.
Other names: NC_000012.11:g.124177016C>A; c.1031-189C>A (NM_001143850.3).
Identifiers: ClinVar variation 672252 (VCV000672252.3), dbSNP rs35946281, ClinGen allele CA13771124.

ClinVar aggregate classification (germline): Benign. Review status: criteria provided, multiple submitters, no conflicts (2 of 4 stars). 2 submissions from 2 submitters: Benign (2). Last evaluated 2018-06-14.

Allele frequency attached by ClinVar (database versions not stated): 1000 Genomes Project 0.27196; 1000 Genomes Project 30x 0.27686; TOPMed 0.35884.
gnomAD v4.1: 54,576 of 151,940 alleles (36%); highest among the groups gnomAD compares: African/African-American, 41%; 10,282 homozygotes.

Submissions (7):

GeneDx
Classification: Benign. Last evaluated: 2018-06-14. Review status: criteria provided, single submitter. Criteria: GeneDx Variant Classification (06012015). Collection method: clinical testing. Allele origin: germline. Affected: yes.
Comment: This variant is considered likely benign or benign based on one or more of the following criteria: it is a conservative change, it occurs at a poorly conserved position in the protein, it is predicted to be benign by multiple in silico algorithms, and/or has population frequency not consistent with disease.

Breakthrough Genomics
Classification: Benign. Review status: criteria provided, single submitter. Criteria: ACMG Guidelines, 2015. Collection method: not provided. Allele origin: germline. Inheritance: Autosomal recessive inheritance. Affected: yes.

Dr. Peter K. Rogan Lab, Western University
No classification provided (evidence only). Condition: Malignant lymphoma, large B-cell, diffuse. Review status: no classification provided. Collection method: in vitro. Allele origin: not applicable. Functional consequence: retained intron. Not counted in ClinVar's aggregate classification.

Dr. Peter K. Rogan Lab, Western University
No classification provided (evidence only). Condition: Gastric cancer. Review status: no classification provided. Collection method: in vitro. Allele origin: not applicable. Functional consequence: retained intron. Not counted in ClinVar's aggregate classification.

Dr. Peter K. Rogan Lab, Western University
No classification provided (evidence only). Condition: Gastric cancer. Review status: no classification provided. Collection method: in vitro. Allele origin: not applicable. Functional consequence: retained intron. Not counted in ClinVar's aggregate classification.

Dr. Peter K. Rogan Lab, Western University
No classification provided (evidence only). Condition: Uterine carcinosarcoma. Review status: no classification provided. Collection method: in vitro. Allele origin: not applicable. Functional consequence: retained intron. Not counted in ClinVar's aggregate classification.

Dr. Peter K. Rogan Lab, Western University
No classification provided (evidence only). Condition: Uterine carcinosarcoma. Review status: no classification provided. Collection method: in vitro. Allele origin: not applicable. Functional consequence: retained intron. Not counted in ClinVar's aggregate classification.